The following is an entry in ClinVar:

NM_012123.4(MTO1):c.1906C>T (p.Arg636Cys)

Gene: MTO1 (mitochondrial tRNA translation optimization 1; plus strand). Cytogenetic location: 6q13.
Variant type: single nucleotide variant.
Coding change: c.1906C>T on transcript NM_012123.4 (MANE Select); coding-DNA position 1906, C replaced by T.
Protein change: p.Arg636Cys; replaces arginine 636 with cysteine.
Molecular consequence: missense variant.
Genome position (GRCh38, 1-based): chr6:73,497,885, C>T. VCF-style: chr6-73497885-C-T. GRCh37 (hg19) VCF-style: chr6-74207608-C-T.
Other names: c.2026C>T, p.Arg676Cys (NM_001123226.2); c.1981C>T, p.Arg661Cys (NM_133645.3); short protein forms R661C, R636C, R676C.
Identifiers: ClinVar variation 648030 (VCV000648030.5), dbSNP rs1582701948, ClinGen allele CA364701337.

ClinVar aggregate classification (germline): Uncertain significance (1 of 4 stars; one submission).

Conditions:
Mitochondrial hypertrophic cardiomyopathy with lactic acidosis due to MTO1 deficiency. Also called: CARDIOMYOPATHY, INFANTILE HYPERTROPHIC MITOCHONDRIAL, AND LACTIC ACIDOSIS; Combined oxidative phosphorylation deficiency 10. Identifiers: Orphanet 314637, MedGen C4749921, MONDO:0013865, OMIM 614702.

gnomAD v4.1: 1 of 1,607,966 alleles (0.000062%); no homozygotes.

Submission:

Labcorp Genetics (formerly Invitae), Labcorp
Classification: Uncertain significance for Mitochondrial hypertrophic cardiomyopathy with lactic acidosis due to MTO1 deficiency. Last evaluated: 2022-06-28. Review status: criteria provided, single submitter. Criteria: Invitae Variant Classification Sherloc (09022015). Collection method: clinical testing. Allele origin: germline.
Comment: Algorithms developed to predict the effect of missense changes on protein structure and function (SIFT, PolyPhen-2, Align-GVGD) all suggest that this variant is likely to be disruptive. In summary, the available evidence is currently insufficient to determine the role of this variant in disease. Therefore, it has been classified as a Variant of Uncertain Significance. Algorithms developed to predict the effect of sequence changes on RNA splicing suggest that this variant may disrupt the consensus splice site. ClinVar contains an entry for this variant (Variation ID: 648030). This variant has not been reported in the literature in individuals affected with MTO1-related conditions. This variant is not present in population databases (gnomAD no frequency). This sequence change replaces arginine, which is basic and polar, with cysteine, which is neutral and slightly polar, at codon 636 of the MTO1 protein (p.Arg636Cys).